The following is an entry in ClinVar:

NM_002878.4(RAD51D):c.480+187T>C

Genes: RAD51D (RAD51 paralog D; minus strand), RAD51L3-RFFL (RAD51L3-RFFL readthrough; minus strand). Cytogenetic location: 17q12.
Variant type: single nucleotide variant.
Coding change: c.480+187T>C on transcript NM_002878.4 (MANE Select); 187 bases into the intron after coding-DNA position 480, T replaced by C.
Molecular consequence: intron variant.
Genome position (GRCh38, 1-based): chr17:35,106,801, A>G on the plus strand (T>C on the coding strand, the complement: RAD51D is on the minus strand). VCF-style: chr17-35106801-A-G. GRCh37 (hg19) VCF-style: chr17-33433820-A-G.
Other names: c.145-320T>C (NM_133629.3); c.540+187T>C (NM_001142571.2).
Identifiers: ClinVar variation 679676 (VCV000679676.2), dbSNP rs936656, ClinGen allele CA14420206.

ClinVar aggregate classification (germline): Benign. Review status: criteria provided, multiple submitters, no conflicts (2 of 4 stars). 2 submissions from 2 submitters: Benign (2). Last evaluated 2018-06-20.

Allele frequency attached by ClinVar (database versions not stated): gnomAD 0.50511 and 0.51094; TOPMed 0.52791; 1000 Genomes Project 0.55312; 1000 Genomes Project 30x 0.55356.
gnomAD v4.1: 77,601 of 152,006 alleles (51%); highest among the groups gnomAD compares: South Asian, 62%; 20,042 homozygotes.

Submissions (2):

GeneDx
Classification: Benign. Last evaluated: 2018-06-20. Review status: criteria provided, single submitter. Criteria: GeneDx Variant Classification (06012015). Collection method: clinical testing. Allele origin: germline. Affected: yes.
Comment: This variant is considered likely benign or benign based on one or more of the following criteria: it is a conservative change, it occurs at a poorly conserved position in the protein, it is predicted to be benign by multiple in silico algorithms, and/or has population frequency not consistent with disease.

Breakthrough Genomics
Classification: Benign. Review status: criteria provided, single submitter. Criteria: ACMG Guidelines, 2015. Collection method: not provided. Allele origin: germline. Inheritance: Unknown mechanism. Affected: yes.